The following is an entry in ClinVar:

ClinVar aggregate classification (germline): Uncertain significance. Review status: criteria provided, multiple submitters, no conflicts (2 of 4 stars). 2 submissions from 2 submitters: Uncertain significance (2). Last evaluated 2024-11-01.

Conditions:
Oligodontia-cancer predisposition syndrome. Also called: TOOTH AGENESIS-COLORECTAL CANCER SYNDROME. Identifiers: Orphanet 300576, MedGen C1837750, MONDO:0012075, OMIM 608615. Disease mechanism: loss of function.
Hereditary cancer-predisposing syndrome. Also called: Neoplastic Syndromes, Hereditary; Hereditary Cancer Syndrome; Hereditary neoplastic syndrome; Tumor predisposition. Identifiers: Orphanet 140162, MedGen C0027672, MeSH D009386, MONDO:0015356.

Submissions (2):

Ambry Genetics
Classification: Uncertain significance for Hereditary cancer-predisposing syndrome. Last evaluated: 2024-11-01. Review status: criteria provided, single submitter. Criteria: Ambry Variant Classification Scheme 2023. Collection method: clinical testing. Allele origin: germline.
Comment: The p.C222S variant (also known as c.664T>A), located in coding exon 1 of the AXIN2 gene, results from a T to A substitution at nucleotide position 664. The cysteine at codon 222 is replaced by serine, an amino acid with dissimilar properties. This amino acid position is conserved. In addition, this alteration is predicted to be deleterious by in silico analysis. Based on the available evidence, the clinical significance of this variant remains unclear.

Labcorp Genetics (formerly Invitae), Labcorp
Classification: Uncertain significance for Oligodontia-cancer predisposition syndrome. Last evaluated: 2023-12-06. Review status: criteria provided, single submitter. Criteria: Invitae Variant Classification Sherloc (09022015). Collection method: clinical testing. Allele origin: germline.
Comment: This sequence change replaces cysteine, which is neutral and slightly polar, with serine, which is neutral and polar, at codon 222 of the AXIN2 protein (p.Cys222Ser). This variant is not present in population databases (gnomAD no frequency). This variant has not been reported in the literature in individuals affected with AXIN2-related conditions. Advanced modeling of protein sequence and biophysical properties (such as structural, functional, and spatial information, amino acid conservation, physicochemical variation, residue mobility, and thermodynamic stability) performed at Invitae indicates that this missense variant is not expected to disrupt AXIN2 protein function with a negative predictive value of 80%. In summary, the available evidence is currently insufficient to determine the role of this variant in disease. Therefore, it has been classified as a Variant of Uncertain Significance.

NM_004655.4(AXIN2):c.664T>A (p.Cys222Ser)

Gene: AXIN2 (axin 2; minus strand). Cytogenetic location: 17q24.1.
Variant type: single nucleotide variant.
Coding change: c.664T>A on transcript NM_004655.4 (MANE Select); coding-DNA position 664, T replaced by A.
Protein change: p.Cys222Ser; replaces cysteine 222 with serine.
Molecular consequence: missense variant.
Genome position (GRCh38, 1-based): chr17:65,557,957, A>T on the plus strand (T>A on the coding strand, the complement: AXIN2 is on the minus strand). VCF-style: chr17-65557957-A-T. GRCh37 (hg19) VCF-style: chr17-63554075-A-T.
Other names: c.664T>A, p.Cys222Ser (NM_001363813.1); short protein forms C222S.
Identifiers: ClinVar variation 2870224 (VCV002870224.4), dbSNP rs2544248420, ClinGen allele CA400680542.